The following is an entry in ClinVar:

NM_007103.4(NDUFV1):c.1163-17del

Genes: NDUFV1 (NADH:ubiquinone oxidoreductase core subunit V1; plus strand), LOC126861242 (CDK7 strongly-dependent group 2 enhancer GRCh37_chr11:67379204-67380403; plus strand). Cytogenetic location: 11q13.2.
Variant type: Deletion.
Coding change: c.1163-17del on transcript NM_007103.4 (MANE Select); 17 bases into the intron before coding-DNA position 1163, one base deleted (T; older notation c.1163-17delT).
Molecular consequence: intron variant.
Genome position (GRCh38, 1-based): chr11:67,612,103, T deleted; the last of 2 consecutive T bases (chr11:67,612,102-67,612,103); deleting either gives the same sequence. VCF-style (leftmost placement, unchanged base first): chr11-67612101-CT-C. GRCh37 (hg19) VCF-style: chr11-67379572-CT-C.
Other names: c.1163-17delT (NM_007103.4); c.1136-17del (NM_001166102.2).
Identifiers: ClinVar variation 1660963 (VCV001660963.9), dbSNP rs773819216, ClinGen allele CA6143431.

ClinVar aggregate classification (germline): Likely benign. Review status: criteria provided, multiple submitters, no conflicts (2 of 4 stars). 2 submissions from 2 submitters: Likely benign (2). Last evaluated 2026-01-19.

Submissions (2):

Labcorp Genetics (formerly Invitae), Labcorp
Classification: Likely benign. Last evaluated: 2026-01-19. Review status: criteria provided, single submitter. Criteria: Invitae Variant Classification Sherloc (09022015). Collection method: clinical testing. Allele origin: germline.

Women's Health and Genetics/Laboratory Corporation of America, LabCorp
Classification: Likely benign. Last evaluated: 2025-06-10. Review status: criteria provided, single submitter. Criteria: LabCorp Variant Classification Summary - May 2015. Collection method: clinical testing. Allele origin: germline.
Comment: Variant summary: NDUFV1 c.1163-17delT alters a non-conserved nucleotide located at a position not widely known to affect splicing. Consensus agreement among computation tools predict no significant impact on normal splicing. However, these predictions have yet to be confirmed by functional studies. The variant allele was found at a frequency of 7.2e-05 in 251240 control chromosomes. This frequency is not significantly higher than estimated for a pathogenic variant in NDUFV1 causing Leigh Syndrome (7.2e-05 vs 0.0013), allowing no conclusion about variant significance. To our knowledge, no occurrence of c.1163-17delT in individuals affected with Leigh Syndrome and no experimental evidence demonstrating its impact on protein function have been reported. ClinVar contains an entry for this variant (Variation ID: 1660963). Based on the evidence outlined above, the variant was classified as likely benign.